The following is an entry in ClinVar:

NM_000548.5(TSC2):c.2147C>A (p.Ser716Tyr)

Gene: TSC2 (TSC complex subunit 2; plus strand). Cytogenetic location: 16p13.3.
Variant type: single nucleotide variant.
Coding change: c.2147C>A on transcript NM_000548.5 (MANE Select); coding-DNA position 2147, C replaced by A.
Protein change: p.Ser716Tyr; replaces serine 716 with tyrosine.
Molecular consequence: missense variant. On other transcripts: non-coding transcript variant (5).
Genome position (GRCh38, 1-based): chr16:2,072,290, C>A. VCF-style: chr16-2072290-C-A. GRCh37 (hg19) VCF-style: chr16-2122291-C-A.
Other names: c.2147C>A, p.Ser716Tyr (NM_001077183.3, NM_001114382.3, NM_001363528.2 and 6 more transcripts); c.2036C>A, p.Ser679Tyr (NM_001318827.2, NM_001406670.1, NM_001406678.1); c.2000C>A, p.Ser667Tyr (NM_001318829.2, NM_001406675.1, NM_001406676.1 and 1 more transcripts); c.1547C>A, p.Ser516Tyr (NM_001318831.2, NM_001406680.1, NM_001406682.1 and 6 more transcripts); c.2180C>A, p.Ser727Tyr (NM_001318832.2); c.2237C>A, p.Ser746Tyr (NM_001406667.1, NM_001406668.1); c.2135C>A, p.Ser712Tyr (NM_001406671.1, NM_001406673.1); c.2090C>A, p.Ser697Tyr (NM_001406677.1); and 3 more; short protein forms S182Y, S268Y, S516Y, S562Y, S667Y, S679Y, S697Y, S712Y.
Identifiers: ClinVar variation 3232106 (VCV003232106.1), dbSNP rs781153452, ClinGen allele CA394274845.

ClinVar aggregate classification (germline): Uncertain significance (1 of 4 stars; one submission).

Conditions:
Hereditary cancer-predisposing syndrome. Also called: Neoplastic Syndromes, Hereditary; Tumor predisposition; Hereditary neoplastic syndrome; Hereditary Cancer Syndrome. Identifiers: Orphanet 140162, MedGen C0027672, MeSH D009386, MONDO:0015356.

gnomAD v4.1: 1 of 1,614,124 alleles (0.000062%); highest among the groups gnomAD compares: Non-Finnish European, 0.000085%; no homozygotes.

Submission:

Ambry Genetics
Classification: Uncertain significance for Hereditary cancer-predisposing syndrome. Last evaluated: 2024-03-08. Review status: criteria provided, single submitter. Criteria: Ambry Variant Classification Scheme 2023. Collection method: clinical testing. Allele origin: germline.
Comment: The p.S716Y variant (also known as c.2147C>A), located in coding exon 19 of the TSC2 gene, results from a C to A substitution at nucleotide position 2147. The serine at codon 716 is replaced by tyrosine, an amino acid with dissimilar properties. This amino acid position is conserved. In addition, the in silico prediction for this alteration is inconclusive. Based on the available evidence, the clinical significance of this alteration remains unclear.